The following is an entry in ClinVar:

NM_032119.4(ADGRV1):c.8133C>T (p.Ser2711=)

Gene: ADGRV1 (adhesion G protein-coupled receptor V1; plus strand). Cytogenetic location: 5q14.3.
Variant type: single nucleotide variant.
Coding change: c.8133C>T on transcript NM_032119.4 (MANE Select); coding-DNA position 8133, C replaced by T.
Protein change: p.Ser2711=; no amino-acid change (serine 2711 retained).
Molecular consequence: synonymous variant. On other transcripts: non-coding transcript variant (1).
Genome position (GRCh38, 1-based): chr5:90,697,124, C>T. VCF-style: chr5-90697124-C-T. GRCh37 (hg19) VCF-style: chr5-89992941-C-T.
Identifiers: ClinVar variation 46384 (VCV000046384.24), dbSNP rs116446814, ClinGen allele CA138233.
Genomic context (GRCh38, chr5:90,697,124, plus strand): 5'-TAGAGTGAACATTTTGGCCAATGACAATGTGGCAGGAATTGTTAGCTTTCAGACAGCTTC[C>T]AGATCTGTCATAGGTCATGAAGGTGGGTTCCTTTTTTTGTTAAGCATATTCATTTTCTTT-3'
Protein context (NP_115495.3, residues 2701-2721): VAGIVSFQTA[Ser2711=]RSVIGHEGEI

ClinVar aggregate classification (germline): Benign/Likely benign. Review status: criteria provided, multiple submitters, no conflicts (2 of 4 stars). 8 submissions from 8 submitters: Benign (4); Likely benign (4). Last evaluated 2026-01-26.

Conditions:
Usher syndrome type 2C. Also called: Usher syndrome, type 2B; USHER SYNDROME, TYPE IIC. Identifiers: Orphanet 231178, Orphanet 886, MedGen C2931213, MONDO:0011558, OMIM 605472.
Febrile seizures, familial, 4 (FEB4). Also called: CONVULSIONS, FAMILIAL FEBRILE, 4. Identifiers: MedGen C1858493, MONDO:0011443, OMIM 604352.

Allele frequency attached by ClinVar (database versions not stated): gnomAD exomes 0.00026 and 0.00065; ExAC 0.00080; gnomAD 0.00279 and 0.00299; TOPMed 0.00297; ESP Exome Variant Server 0.00301; 1000 Genomes Project 0.00419; 1000 Genomes Project 30x 0.00437.
gnomAD v4.1: 809 of 1,613,222 alleles (0.05%); highest among the groups gnomAD compares: African/African-American, 1%; 3 homozygotes.

Submissions (8):

Labcorp Genetics (formerly Invitae), Labcorp
Classification: Benign. Last evaluated: 2026-01-26. Review status: criteria provided, single submitter. Criteria: Invitae Variant Classification Sherloc (09022015). Collection method: clinical testing. Allele origin: germline.

Blueprint Genetics
Classification: Likely benign. Last evaluated: 2024-10-22. Review status: criteria provided, single submitter. Criteria: ACMG Guidelines, 2015. Collection method: clinical testing. Allele origin: germline.

Fulgent Genetics
Classification: Likely benign for Febrile seizures, familial, 4; Usher syndrome type 2C. Last evaluated: 2021-10-13. Review status: criteria provided, single submitter. Criteria: ACMG Guidelines, 2015. Collection method: clinical testing. Allele origin: unknown.

GeneDx
Classification: Likely benign. Last evaluated: 2020-12-30. Review status: criteria provided, single submitter. Criteria: GeneDx Variant Classification Process June 2021. Collection method: clinical testing. Allele origin: germline. Affected: yes.

Athena Diagnostics
Classification: Benign. Last evaluated: 2018-09-14. Review status: criteria provided, single submitter. Criteria: Athena Diagnostics Criteria. Collection method: clinical testing. Allele origin: germline.

Eurofins Ntd Llc (ga)
Classification: Benign. Last evaluated: 2016-01-14. Review status: criteria provided, single submitter. Criteria: EGL Classification Definitions 2015. Collection method: clinical testing. Allele origin: germline. Observed: 1 variant allele, 1 homozygote.

Laboratory for Molecular Medicine, Mass General Brigham Personalized Medicine
Classification: Benign. Last evaluated: 2012-05-14. Review status: criteria provided, single submitter. Criteria: LMM Criteria. Collection method: clinical testing. Allele origin: germline. Observed: 4 variant alleles.
Comment: Ser2711Ser in Exon 34 of GPR98: This variant is not expected to have clinical si gnificance because it does not alter an amino acid residue, is not located withi n the splice consensus sequence, and has been identified in 0.9% (28/3032) of Af rican American chromosomes from a broad population by the NHLBI Exome Sequencing Project (dbSNP rs116446814).

Breakthrough Genomics
Classification: Likely benign. Review status: criteria provided, single submitter. Criteria: ACMG Guidelines, 2015. Collection method: not provided. Allele origin: germline. Inheritance: Autosomal recessive inheritance. Affected: yes.